The following is an entry in ClinVar:

NM_012448.4(STAT5B):c.112A>C (p.Ile38Leu)

Gene: STAT5B (signal transducer and activator of transcription 5B; minus strand). Cytogenetic location: 17q21.2.
Variant type: single nucleotide variant.
Coding change: c.112A>C on transcript NM_012448.4 (MANE Select); coding-DNA position 112, A replaced by C.
Protein change: p.Ile38Leu; replaces isoleucine 38 with leucine.
Molecular consequence: missense variant.
Genome position (GRCh38, 1-based): chr17:42,232,016, T>G on the plus strand (A>C on the coding strand, the complement: STAT5B is on the minus strand). VCF-style: chr17-42232016-T-G. GRCh37 (hg19) VCF-style: chr17-40384034-T-G.
Other names: short protein forms I38L.
Identifiers: ClinVar variation 2832933 (VCV002832933.3), dbSNP rs2508803468, ClinGen allele CA399593506.

ClinVar aggregate classification (germline): Uncertain significance (1 of 4 stars; one submission).

Conditions:
Growth hormone insensitivity with immune dysregulation 1, autosomal recessive. Also called: LARON SYNDROME DUE TO POSTRECEPTOR DEFECT; GROWTH HORMONE INSENSITIVITY SYNDROME WITH IMMUNE DYSREGULATION 1, AUTOSOMAL RECESSIVE; GROWTH HORMONE INSENSITIVITY DUE TO POSTRECEPTOR DEFECT; Laron syndrome with immunodeficiency. Identifiers: Orphanet 220465, MedGen C5435698, MONDO:0100211, OMIM 245590.

Submission:

Labcorp Genetics (formerly Invitae), Labcorp
Classification: Uncertain significance for Growth hormone insensitivity with immune dysregulation 1, autosomal recessive. Last evaluated: 2023-02-02. Review status: criteria provided, single submitter. Criteria: Invitae Variant Classification Sherloc (09022015). Collection method: clinical testing. Allele origin: germline.
Comment: In summary, the available evidence is currently insufficient to determine the role of this variant in disease. Therefore, it has been classified as a Variant of Uncertain Significance. Advanced modeling of protein sequence and biophysical properties (such as structural, functional, and spatial information, amino acid conservation, physicochemical variation, residue mobility, and thermodynamic stability) performed at Invitae indicates that this missense variant is not expected to disrupt STAT5B protein function. This variant has not been reported in the literature in individuals affected with STAT5B-related conditions. This variant is not present in population databases (gnomAD no frequency). This sequence change replaces isoleucine, which is neutral and non-polar, with leucine, which is neutral and non-polar, at codon 38 of the STAT5B protein (p.Ile38Leu).